The following is an entry in ClinVar:

ClinVar aggregate classification (germline): Uncertain significance. Review status: criteria provided, multiple submitters, no conflicts (2 of 4 stars). 3 submissions from 3 submitters: Uncertain significance (3). Last evaluated 2024-05-23.

Conditions:
Hereditary cancer-predisposing syndrome. Also called: Hereditary Cancer Syndrome; Hereditary neoplastic syndrome; Neoplastic Syndromes, Hereditary; Tumor predisposition. Identifiers: Orphanet 140162, MedGen C0027672, MeSH D009386, MONDO:0015356.
Familial melanoma. Also called: Hereditary cutaneous melanoma; Hereditary melanoma. Identifiers: Orphanet 618, MedGen C1512419, MONDO:0018961.
Melanoma and neural system tumor syndrome. Also called: MELANOMA-ASTROCYTOMA SYNDROME. Identifiers: Orphanet 252206, MedGen C1835042, MONDO:0007967, OMIM 155755.

Submissions (3):

Labcorp Genetics (formerly Invitae), Labcorp
Classification: Uncertain significance for Familial melanoma. Last evaluated: 2024-05-23. Review status: criteria provided, single submitter. Criteria: Invitae Variant Classification Sherloc (09022015). Collection method: clinical testing. Allele origin: germline.
Comment: This sequence change replaces tyrosine, which is neutral and polar, with histidine, which is basic and polar, at codon 129 of the CDKN2A (p16INK4a) protein (p.Tyr129His). This variant is not present in population databases (gnomAD no frequency). This variant has not been reported in the literature in individuals affected with CDKN2A (p16INK4a)-related conditions. ClinVar contains an entry for this variant (Variation ID: 1735601). An algorithm developed to predict the effect of missense changes on protein structure and function (PolyPhen-2) suggests that this variant is likely to be disruptive. In summary, the available evidence is currently insufficient to determine the role of this variant in disease. Therefore, it has been classified as a Variant of Uncertain Significance.

Baylor Genetics
Classification: Uncertain significance for Melanoma and neural system tumor syndrome. Last evaluated: 2023-09-18. Review status: criteria provided, single submitter. Criteria: ACMG Guidelines, 2015. Collection method: clinical testing. Allele origin: unknown.

Ambry Genetics
Classification: Uncertain significance for Hereditary cancer-predisposing syndrome. Last evaluated: 2022-09-21. Review status: criteria provided, single submitter. Criteria: Ambry Variant Classification Scheme 2023. Collection method: clinical testing. Allele origin: germline.
Comment: The p.Y129H variant (also known as c.385T>C), located in coding exon 2 of the CDKN2A gene, results from a T to C substitution at nucleotide position 385. The tyrosine at codon 129 is replaced by histidine, an amino acid with similar properties. This amino acid position is not well conserved in available vertebrate species. In addition, this alteration is predicted to be deleterious by in silico analysis. Since supporting evidence is limited at this time, the clinical significance of this alteration remains unclear.

NM_000077.5(CDKN2A):c.385T>C (p.Tyr129His)

Gene: CDKN2A (cyclin dependent kinase inhibitor 2A; minus strand). Cytogenetic location: 9p21.3.
Variant type: single nucleotide variant.
Coding change: c.385T>C on transcript NM_000077.5; coding-DNA position 385, T replaced by C.
Protein change: p.Tyr129His; replaces tyrosine 129 with histidine.
Molecular consequence: missense variant (on NM_000077.6). On other transcripts: 3 prime UTR variant (2).
Genome position (GRCh38, 1-based): chr9:21,970,974, A>G on the plus strand (T>C on the coding strand, the complement: CDKN2A is on the minus strand). VCF-style: chr9-21970974-A-G. GRCh37 (hg19) VCF-style: chr9-21970973-A-G.
Other names: c.385T>C, p.Tyr129His (NM_000077.6, NM_001195132.2); c.232T>C, p.Tyr78His (NM_001363763.2); c.*29T>C (NM_058195.4); c.*308T>C (NM_058197.5); short protein forms Y129H, Y78H.
Identifiers: ClinVar variation 1735601 (VCV001735601.6), dbSNP rs1554653923, ClinGen allele CA373085940.